The following is an entry in ClinVar:

ClinVar aggregate classification (germline): Likely benign (1 of 4 stars; one submission).

Allele frequency attached by ClinVar (database versions not stated): gnomAD exomes 0.00003; gnomAD 0.00004; ExAC 0.00005; TOPMed 0.00005; ESP Exome Variant Server 0.00015.
gnomAD v4.1: 52 of 1,613,174 alleles (0.0032%); highest among the groups gnomAD compares: Non-Finnish European, 0.0025%; no homozygotes.

Submission:

CeGaT Center for Human Genetics Tuebingen
Classification: Likely benign. Last evaluated: 2022-06-01. Review status: criteria provided, single submitter. Criteria: CeGaT Center For Human Genetics Tuebingen Variant Classification Criteria Version 2. Collection method: clinical testing. Allele origin: germline. Affected: yes. Observed: 1 variant allele.
Comment: ADCY5: BP4, BP7

NM_183357.3(ADCY5):c.2373C>T (p.Ser791=)

Gene: ADCY5 (adenylate cyclase 5; minus strand). Cytogenetic location: 3q21.1.
Variant type: single nucleotide variant.
Coding change: c.2373C>T on transcript NM_183357.3 (MANE Select); coding-DNA position 2373, C replaced by T.
Protein change: p.Ser791=; no amino-acid change (serine 791 retained).
Molecular consequence: synonymous variant.
Genome position (GRCh38, 1-based): chr3:123,314,304, G>A on the plus strand (C>T on the coding strand, the complement: ADCY5 is on the minus strand). VCF-style: chr3-123314304-G-A. GRCh37 (hg19) VCF-style: chr3-123033151-G-A.
Other names: c.1323C>T, p.Ser441= (NM_001199642.1); c.2373C>T, p.Ser791= (NM_001378259.1).
Identifiers: ClinVar variation 2654078 (VCV002654078.24), dbSNP rs145291636, ClinGen allele CA2577146.
Genomic context (GRCh38, chr3:123,314,304, plus strand): 5'-GGAGTAGATCACAGACACAAACACCACCAAGGTCAGCAGCAGGGAACAGGTCAGGTAGAA[G>A]CTGAGCATGAATATGGAGCTGGAAGGAGAGAGGAGGGGAGGGAGAAGCCAGGCTCAGGTG-3'
Protein context (NP_899200.1, residues 781-801): TIVPHSIFML[Ser791=]FYLTCSLLLT